The following is an entry in ClinVar:

NM_212550.5(BLOC1S3):c.353C>T (p.Ala118Val)

Gene: BLOC1S3 (biogenesis of lysosomal organelles complex 1 subunit 3; plus strand). Cytogenetic location: 19q13.32.
Variant type: single nucleotide variant.
Coding change: c.353C>T on transcript NM_212550.5 (MANE Select); coding-DNA position 353, C replaced by T.
Protein change: p.Ala118Val; replaces alanine 118 with valine.
Molecular consequence: missense variant.
Genome position (GRCh38, 1-based): chr19:45,179,649, C>T. VCF-style: chr19-45179649-C-T. GRCh37 (hg19) VCF-style: chr19-45682907-C-T.
Other names: short protein forms A118V.
Identifiers: ClinVar variation 2104936 (VCV002104936.4), dbSNP rs2513838072, ClinGen allele CA406344647.

ClinVar aggregate classification (germline): Uncertain significance (1 of 4 stars; one submission).

gnomAD v4.1: 2 of 1,469,040 alleles (0.00014%); highest among the groups gnomAD compares: South Asian, 0.0013%; no homozygotes.

Submission:

Labcorp Genetics (formerly Invitae), Labcorp
Classification: Uncertain significance. Last evaluated: 2023-12-11. Review status: criteria provided, single submitter. Criteria: Invitae Variant Classification Sherloc (09022015). Collection method: clinical testing. Allele origin: germline.
Comment: This sequence change replaces alanine, which is neutral and non-polar, with valine, which is neutral and non-polar, at codon 118 of the BLOC1S3 protein (p.Ala118Val). This variant is not present in population databases (gnomAD no frequency). This variant has not been reported in the literature in individuals affected with BLOC1S3-related conditions. ClinVar contains an entry for this variant (Variation ID: 2104936). An algorithm developed to predict the effect of missense changes on protein structure and function (PolyPhen-2) suggests that this variant is likely to be tolerated. In summary, the available evidence is currently insufficient to determine the role of this variant in disease. Therefore, it has been classified as a Variant of Uncertain Significance.